The following is an entry in ClinVar:

ClinVar aggregate classification (germline): Uncertain significance. Review status: criteria provided, multiple submitters, no conflicts (2 of 4 stars). 3 submissions from 3 submitters: Uncertain significance (3). Last evaluated 2025-08-20.

Conditions:
Bardet-Biedl syndrome 22 (BBS22). Identifiers: MedGen C5561936, MONDO:0014926, OMIM 617119.
Inborn genetic diseases. Identifiers: MedGen C0950123, MeSH D030342.
IFT74-related disorder. Also called: IFT74-Related Disorders; IFT74-related condition.

Allele frequency attached by ClinVar (database versions not stated): gnomAD exomes below 0.00001; TOPMed below 0.00001; gnomAD 0.00001.
gnomAD v4.1: 5 of 1,528,184 alleles (0.00033%); highest among the groups gnomAD compares: African/African-American, 0.0072%; no homozygotes.

Submissions (3):

PreventionGenetics, part of Exact Sciences
Classification: Uncertain significance for IFT74-related condition. Last evaluated: 2025-08-20. Review status: criteria provided, single submitter. Criteria: ACMG Guidelines, 2015. Collection method: clinical testing. Allele origin: germline.
Comment: The IFT74 c.1492A>G variant is predicted to result in the amino acid substitution p.Ile498Val. To our knowledge, this variant has not been reported in the literature. This variant is reported in 0.011% of alleles in individuals of African descent in gnomAD. At this time, the clinical significance of this variant is uncertain due to the absence of conclusive functional and genetic evidence.

Genomic Medicine Center of Excellence, King Faisal Specialist Hospital and Research Centre
Classification: Uncertain significance for Bardet-Biedl syndrome 22. Last evaluated: 2024-12-19. Review status: criteria provided, single submitter. Criteria: ACMG Guidelines, 2015. Collection method: clinical testing. Allele origin: germline.

Ambry Genetics
Classification: Uncertain significance for Inborn genetic diseases. Last evaluated: 2022-01-28. Review status: criteria provided, single submitter. Criteria: Ambry Variant Classification Scheme 2023. Collection method: clinical testing. Allele origin: germline.

NM_025103.4(IFT74):c.1492A>G (p.Ile498Val)

Gene: IFT74 (intraflagellar transport 74; plus strand). Cytogenetic location: 9p21.2.
Variant type: single nucleotide variant.
Coding change: c.1492A>G on transcript NM_025103.4 (MANE Select); coding-DNA position 1492, A replaced by G.
Protein change: p.Ile498Val; replaces isoleucine 498 with valine.
Molecular consequence: missense variant.
Genome position (GRCh38, 1-based): chr9:27,055,767, A>G. VCF-style: chr9-27055767-A-G. GRCh37 (hg19) VCF-style: chr9-27055765-A-G.
Other names: c.1492A>G, p.Ile498Val (NM_001099222.3, NM_001099223.3, NM_001349928.2); c.1492A>G (NM_025103.2); short protein forms I498V.
Identifiers: ClinVar variation 2267201 (VCV002267201.4), dbSNP rs1381354359, ClinGen allele CA373128437.
Genomic context (GRCh38, chr9:27,055,767, plus strand): 5'-ACAACTGATCTGGAGATATATAATGATTTGCCAGCTTTAAAATCATCAGGTGAAGAAAAG[A>G]TAAAGGTAAATGTTAACCAAGTCTTACAGAATTACAATTCAGATTGTTTTTTTCTTGATC-3'
Protein context (NP_079379.2, residues 488-508): PALKSSGEEK[Ile498Val]KKLHQERMIL